The following is an entry in ClinVar:

ClinVar aggregate classification (germline): Conflicting classifications of pathogenicity. Review status: criteria provided, conflicting classifications (1 of 4 stars). 4 submissions from 4 submitters: Pathogenic (2); Uncertain significance (2). Last evaluated 2022-08-21.

Conditions:
Inborn genetic diseases. Identifiers: MedGen C0950123, MeSH D030342.
Neuronal ceroid lipofuscinosis. Also called: Neuronal Ceroid Lipofuscinoses. Identifiers: Orphanet 216, Orphanet 79263, MedGen C0027877, MONDO:0016295. Disease mechanism: loss of function.
Neuronal ceroid lipofuscinosis 5 (CLN5). Also called: CEROID LIPOFUSCINOSIS, NEURONAL, 5, VARIABLE AGE AT ONSET; Neuronal ceroid lipofuscinosis Finnish variant; NEURONAL CEROID LIPOFUSCINOSIS, LATE INFANTILE, FINNISH VARIANT; CLN5-Related Neuronal Ceroid-Lipofuscinosis. Identifiers: Orphanet 168491, Orphanet 228360, MedGen C1850442, MONDO:0009745, OMIM 256731.

Allele frequency attached by ClinVar (database versions not stated): TOPMed 0.00005.

Submissions (4):

Labcorp Genetics (formerly Invitae), Labcorp
Classification: Uncertain significance for Neuronal ceroid lipofuscinosis. Last evaluated: 2022-08-21. Review status: criteria provided, single submitter. Criteria: Invitae Variant Classification Sherloc (09022015). Collection method: clinical testing. Allele origin: germline.
Comment: This sequence change creates a premature translational stop signal (p.Ser39*) in the CLN5 gene. However, it is currently unclear if variants that occur in this region of the gene cause disease. This variant is present in population databases (rs61504484, gnomAD 0.006%). This variant has not been reported in the literature in individuals affected with CLN5-related conditions. ClinVar contains an entry for this variant (Variation ID: 205138). Experimental studies and prediction algorithms are not available or were not evaluated, and the functional significance of this variant is currently unknown. In summary, the available evidence is currently insufficient to determine the role of this variant in disease. Therefore, it has been classified as a Variant of Uncertain Significance.

Genome-Nilou Lab
Classification: Pathogenic for Neuronal ceroid lipofuscinosis 5. Last evaluated: 2021-08-10. Review status: criteria provided, single submitter. Criteria: ACMG Guidelines, 2015. Collection method: clinical testing. Allele origin: germline. Affected: no.

Ambry Genetics
Classification: Uncertain significance for Inborn genetic diseases. Last evaluated: 2020-05-13. Review status: criteria provided, single submitter. Criteria: Ambry Variant Classification Scheme 2023. Collection method: clinical testing. Allele origin: germline.
Comment: The p.S39* variant (also known as c.116C>A), located in coding exon 1 of the CLN5 gene, results from a C to A substitution at nucleotide position 116. This changes the amino acid from a serine to a stop codon within coding exon 1. This alteration is expected to result in loss of function by premature protein truncation or nonsense-mediated mRNA decay. However, there are in-frame methionines 29 and 49 amino acids downstream of the initiation codon, which may act as an alternative initiation codon, and the significance of the N-terminus for this protein is not well established. Since supporting evidence is limited at this time, the clinical significance of this alteration remains unclear.

GeneDx
Classification: Pathogenic. Last evaluated: 2014-01-07. Review status: criteria provided, single submitter. Criteria: GeneDx Variant Classification (06012015). Collection method: clinical testing. Allele origin: germline. Affected: yes.
Comment: p.Ser39Stop (TCG>TAG): c.116 C>A in exon 1 of the CLN5 gene (NM_006493.2) The Ser39Stop nonsense mutation in the CLN5 gene is predicted to cause loss of normal protein function either through protein truncation or nonsense-mediated mRNA decay. Although this mutation has not been reported previously to our knowledge, it is expected to be a pathogenic mutation. The variant is found in INFANT-EPI panel(s).

NC_000013.11:g.76992067C>A

Gene: CLN5 (CLN5 lysosomal BMP synthase; plus strand). Cytogenetic location: 13q22.3.
Variant type: single nucleotide variant.
Molecular consequence: nonsense (on NM_006493.2).
Genome position: GRCh38 VCF-style: chr13-76992067-C-A. GRCh37 (hg19) VCF-style: chr13-77566202-C-A.
Other names: p.S39*:TCG>TAG; c.116C>A, p.Ser39Ter (NM_006493.2).
Identifiers: ClinVar variation 205138 (VCV000205138.10), dbSNP rs61504484, ClinGen allele CA313900.